The following is an entry in ClinVar:

ClinVar aggregate classification (germline): Uncertain significance (1 of 4 stars; one submission).

Conditions:
Charcot-Marie-Tooth disease X-linked dominant 6. Also called: CHARCOT-MARIE-TOOTH NEUROPATHY, X-LINKED DOMINANT, 6. Identifiers: Orphanet 352675, MedGen C3806702, MONDO:0010479, OMIM 300905.

gnomAD v4.1: 1 of 1,191,869 alleles (0.000084%); highest among the groups gnomAD compares: Admixed American, 0.0023%; no homozygotes.

Submission:

Labcorp Genetics (formerly Invitae), Labcorp
Classification: Uncertain significance for Charcot-Marie-Tooth disease X-linked dominant 6. Last evaluated: 2025-03-07. Review status: criteria provided, single submitter. Criteria: Invitae Variant Classification Sherloc (09022015). Collection method: clinical testing. Allele origin: germline.
Comment: This sequence change falls in intron 11 of the PDK3 gene. It does not directly change the encoded amino acid sequence of the PDK3 protein. It affects a nucleotide within the consensus splice site. This variant is not present in population databases (gnomAD no frequency). This variant has not been reported in the literature in individuals affected with PDK3-related conditions. Variants that disrupt the consensus splice site are a relatively common cause of aberrant splicing (PMID: 17576681, 9536098). Algorithms developed to predict the effect of sequence changes on RNA splicing suggest that this variant is not likely to affect RNA splicing. In summary, the available evidence is currently insufficient to determine the role of this variant in disease. Therefore, it has been classified as a Variant of Uncertain Significance.

Literature cited by the submitters: PubMed 17576681; PubMed 9536098.

NM_005391.5(PDK3):c.*2A>G

Gene: PDK3 (pyruvate dehydrogenase kinase 3; plus strand). Cytogenetic location: Xp22.11.
Variant type: single nucleotide variant.
Coding change: c.*2A>G on transcript NM_005391.5 (MANE Select); 2 bases downstream of the stop codon, A replaced by G.
Molecular consequence: 3 prime UTR variant. On other transcripts: intron variant (1).
Genome position (GRCh38, 1-based): chrX:24,534,074, A>G. VCF-style: chrX-24534074-A-G. GRCh37 (hg19) VCF-style: chrX-24552191-A-G.
Other names: c.1217+6A>G (NM_001142386.3).
Identifiers: ClinVar variation 4769385 (VCV004769385.1).